The following is an entry in ClinVar:

ClinVar aggregate classification (germline): Uncertain significance (1 of 4 stars; one submission).

Allele frequency attached by ClinVar (database versions not stated): gnomAD exomes below 0.00001.
gnomAD v4.1: 2 of 1,605,914 alleles (0.00012%); highest among the groups gnomAD compares: Admixed American, 0.0034%; no homozygotes.

Submission:

Labcorp Genetics (formerly Invitae), Labcorp
Classification: Uncertain significance. Last evaluated: 2022-07-28. Review status: criteria provided, single submitter. Criteria: Invitae Variant Classification Sherloc (09022015). Collection method: clinical testing. Allele origin: germline.
Comment: This sequence change replaces glutamic acid, which is acidic and polar, with lysine, which is basic and polar, at codon 1654 of the MYO18B protein (p.Glu1654Lys). The frequency data for this variant in the population databases is considered unreliable, as metrics indicate poor data quality at this position in the gnomAD database. This variant has not been reported in the literature in individuals affected with MYO18B-related conditions. Algorithms developed to predict the effect of missense changes on protein structure and function are either unavailable or do not agree on the potential impact of this missense change (SIFT: "Not Available"; PolyPhen-2: "Probably Damaging"; Align-GVGD: "Not Available"). In summary, the available evidence is currently insufficient to determine the role of this variant in disease. Therefore, it has been classified as a Variant of Uncertain Significance.

NM_032608.7(MYO18B):c.4960G>A (p.Glu1654Lys)

Gene: MYO18B (myosin XVIIIB; plus strand). Cytogenetic location: 22q12.1.
Variant type: single nucleotide variant.
Coding change: c.4960G>A on transcript NM_032608.7 (MANE Select); coding-DNA position 4960, G replaced by A.
Protein change: p.Glu1654Lys; replaces glutamic acid 1654 with lysine.
Molecular consequence: missense variant.
Genome position (GRCh38, 1-based): chr22:25,903,643, G>A. VCF-style: chr22-25903643-G-A. GRCh37 (hg19) VCF-style: chr22-26299610-G-A.
Other names: c.4963G>A, p.Glu1655Lys (NM_001318245.2); short protein forms E1655K, E1654K.
Identifiers: ClinVar variation 1909806 (VCV001909806.5), dbSNP rs1305502189, ClinGen allele CA411013145.
Genomic context (GRCh38, chr22:25,903,643, plus strand): 5'-GAGGCATACTCATGTGACTCCAGATCTCTGTCCTCTTTGTCTCTGTAGCAAAAGGAGCAG[G>A]AAGCCTCACAGCTGAAGCAGCAGGTGGAGATGCTACAGGACCATAAACGGGAGCTGCTGG-3'
Protein context (NP_115997.5, residues 1644-1664): LQQQLKQKEQ[Glu1654Lys]ASQLKQQVEM